The following is an entry in ClinVar:

NM_005245.4(FAT1):c.2315G>A (p.Gly772Glu)

Gene: FAT1 (FAT atypical cadherin 1; minus strand). Cytogenetic location: 4q35.2.
Variant type: single nucleotide variant.
Coding change: c.2315G>A on transcript NM_005245.4 (MANE Select); coding-DNA position 2315, G replaced by A.
Protein change: p.Gly772Glu; replaces glycine 772 with glutamic acid.
Molecular consequence: missense variant.
Genome position (GRCh38, 1-based): chr4:186,707,513, C>T on the plus strand (G>A on the coding strand, the complement: FAT1 is on the minus strand). VCF-style: chr4-186707513-C-T. GRCh37 (hg19) VCF-style: chr4-187628667-C-T.
Other names: c.2315G>A, p.Gly772Glu (NM_001440455.1, NM_001440456.1, NM_001440457.1); short protein forms G772E.
Identifiers: ClinVar variation 4991996 (VCV004991996.1).

ClinVar aggregate classification (germline): Uncertain significance (1 of 4 stars; one submission).

Conditions:
FAT1-related disorder. Also called: FAT1-related condition.

gnomAD v4.1: 1 of 1,613,978 alleles (0.000062%); highest among the groups gnomAD compares: Non-Finnish European, 0.000085%; no homozygotes.

Submission:

PreventionGenetics, part of Exact Sciences
Classification: Uncertain significance for FAT1-related condition. Last evaluated: 2025-10-21. Review status: criteria provided, single submitter. Criteria: ACMG Guidelines, 2015. Collection method: clinical testing. Allele origin: germline.
Comment: The FAT1 c.2315G>A variant is predicted to result in the amino acid substitution p.Gly772Glu. To our knowledge, this variant has not been reported in the literature or in a large population database (gnomAD), indicating this variant is rare. At this time, the clinical significance of this variant is uncertain due to the absence of conclusive functional and genetic evidence.